The following is an entry in ClinVar:

ClinVar aggregate classification (germline): Likely pathogenic (1 of 4 stars; one submission).

Submission:

Labcorp Genetics (formerly Invitae), Labcorp
Classification: Likely pathogenic. Last evaluated: 2024-08-05. Review status: criteria provided, single submitter. Criteria: Invitae Variant Classification Sherloc (09022015). Collection method: clinical testing. Allele origin: germline.
Comment: This variant results in the deletion of part of exon 66 (c.9116-95_9138del) of the SZT2 gene. It is expected to disrupt RNA splicing. Variants that disrupt the donor or acceptor splice site typically lead to a loss of protein function (PMID: 16199547), and loss-of-function variants in SZT2 are known to be pathogenic (PMID: 23932106, 27248490, 28556953). This variant has not been reported in the literature in individuals affected with SZT2-related conditions. In summary, the currently available evidence indicates that the variant is pathogenic, but additional data are needed to prove that conclusively. Therefore, this variant has been classified as Likely Pathogenic.

Literature cited by the submitters: PubMed 16199547; PubMed 23932106; PubMed 27248490; PubMed 28556953.

NM_001365999.1(SZT2):c.9287-95_9309del

Gene: SZT2 (SZT2 subunit of KICSTOR complex; plus strand). Cytogenetic location: 1p34.2.
Variant type: Deletion.
Coding change: c.9287-95_9309del on transcript NM_001365999.1 (MANE Select); 95 bases into the intron before coding-DNA position 9287 through coding-DNA position 9309, 118 bases deleted.
Molecular consequence: splice acceptor variant.
Genome position (GRCh38, 1-based): chr1:43,447,450-43,447,567, 118 bases deleted. GRCh37 (hg19): chr1:43,913,121-43,913,238.
Other names: c.9116-95_9138del (NM_015284.4).
Identifiers: ClinVar variation 1066443 (VCV001066443.7), dbSNP rs2153936775, ClinGen allele CA522807043.